The following is an entry in ClinVar:

ClinVar aggregate classification (germline): Uncertain significance (1 of 4 stars; one submission).

Submission:

Greenwood Genetic Center Diagnostic Laboratories, Greenwood Genetic Center
Classification: Uncertain significance. Last evaluated: 2022-01-26. Review status: criteria provided, single submitter. Criteria: ACMG Guidelines, 2015. Collection method: clinical testing. Allele origin: germline. Affected: yes.
Comment: PP2, PP3, PM2

NM_198880.3(QRICH1):c.1498A>G (p.Arg500Gly)

Gene: QRICH1 (glutamine rich 1; minus strand). Cytogenetic location: 3p21.31.
Variant type: single nucleotide variant.
Coding change: c.1498A>G on transcript NM_198880.3 (MANE Select); coding-DNA position 1498, A replaced by G.
Protein change: p.Arg500Gly; replaces arginine 500 with glycine.
Molecular consequence: missense variant.
Genome position (GRCh38, 1-based): chr3:49,047,087, T>C on the plus strand (A>G on the coding strand, the complement: QRICH1 is on the minus strand). VCF-style: chr3-49047087-T-C. GRCh37 (hg19) VCF-style: chr3-49084520-T-C.
Other names: c.1498A>G, p.Arg500Gly (NM_001320580.2, NM_001320581.2, NM_001320582.2 and 4 more transcripts); short protein forms R500G.
Identifiers: ClinVar variation 1676560 (VCV001676560.3), dbSNP rs2093343142, ClinGen allele CA352759799.
Genomic context (GRCh38, chr3:49,047,087, plus strand): 5'-TTGCATTTTAGACACAGCCCACTCTTCTTCCAAGACACTCACTCCCAATGGGTGCCAATC[T>C]GTTCTGAGCATCCTTCTCTAGTTCAGCATTCTTGGTCTGGGCCCAGTTTTTCCATACTTC-3'
Protein context (NP_942581.1, residues 490-510): NAELEKDAQN[Arg500Gly]LAPIGRRQLL